The following is an entry in ClinVar:

NM_017849.4(TMEM127):c.*2086C>T

Gene: TMEM127 (transmembrane protein 127; minus strand). Cytogenetic location: 2q11.2.
Variant type: single nucleotide variant.
Coding change: c.*2086C>T on transcript NM_017849.4 (MANE Select); 2086 bases downstream of the stop codon, C replaced by T.
Molecular consequence: 3 prime UTR variant.
Genome position (GRCh38, 1-based): chr2:96,251,722, G>A on the plus strand (C>T on the coding strand, the complement: TMEM127 is on the minus strand). VCF-style: chr2-96251722-G-A. GRCh37 (hg19) VCF-style: chr2-96917460-G-A.
Other names: c.*2086C>T (NM_001193304.3).
Identifiers: ClinVar variation 337470 (VCV000337470.5), dbSNP rs13418193, ClinGen allele CA10614165.

ClinVar aggregate classification (germline): Benign (1 of 4 stars; one submission).

Conditions:
Pheochromocytoma. Also called: MAX-Related Hereditary Paraganglioma-Pheochromocytoma Syndrome. Identifiers: Orphanet 29072, MedGen C0031511, MONDO:0008233, OMIM 171300, HP:0002666.

Allele frequency attached by ClinVar (database versions not stated): gnomAD 0.00836 and 0.00895; TOPMed 0.00893; 1000 Genomes Project 30x 0.01140; 1000 Genomes Project 0.01158.

Submission:

Illumina Laboratory Services, Illumina
Classification: Benign for Pheochromocytoma. Last evaluated: 2018-01-13. Review status: criteria provided, single submitter. Criteria: ICSL Variant Classification Criteria 13 December 2019. Collection method: clinical testing. Allele origin: germline.
Comment: This variant was observed in the ICSL laboratory as part of a predisposition screen in an ostensibly healthy population. It had not been previously curated by ICSL or reported in the Human Gene Mutation Database (HGMD: prior to June 1st, 2018), and was therefore a candidate for classification through an automated scoring system. Utilizing variant allele frequency, disease prevalence and penetrance estimates, and inheritance mode, an automated score was calculated to assess if this variant is too frequent to cause the disease. Based on the score and internal cut-off values, a variant classified as benign is not then subjected to further curation. The score for this variant resulted in a classification of benign for this disease.